The following is an entry in ClinVar:

NM_006766.5(KAT6A):c.3985A>G (p.Lys1329Glu)

Gene: KAT6A (lysine acetyltransferase 6A; minus strand). Cytogenetic location: 8p11.21.
Variant type: single nucleotide variant.
Coding change: c.3985A>G on transcript NM_006766.5 (MANE Select); coding-DNA position 3985, A replaced by G.
Protein change: p.Lys1329Glu; replaces lysine 1329 with glutamic acid.
Molecular consequence: missense variant.
Genome position (GRCh38, 1-based): chr8:41,934,235, T>C on the plus strand (A>G on the coding strand, the complement: KAT6A is on the minus strand). VCF-style: chr8-41934235-T-C. GRCh37 (hg19) VCF-style: chr8-41791753-T-C.
Other names: short protein forms K1329E.
Identifiers: ClinVar variation 2980802 (VCV002980802.3), dbSNP rs1291336727, ClinGen allele CA371067296.
Genomic context (GRCh38, chr8:41,934,235, plus strand): 5'-CTTGAACACCAGGCTCCTCCTTGACATCTTCCCTCGTGGGCTGTTCCTCTAGCTCCTTTT[T>C]CTTTGTGGACTCCAGGTGGCCATCATCCTCATCATCAGCGTCGTGGTCGTCATTCTGGGC-3'
Protein context (NP_006757.2, residues 1319-1339): EDDGHLESTK[Lys1329Glu]KELEEQPTRE

ClinVar aggregate classification (germline): Uncertain significance (1 of 4 stars; one submission).

Allele frequency attached by ClinVar (database versions not stated): gnomAD exomes below 0.00001; TOPMed 0.00001.
gnomAD v4.1: 2 of 1,614,120 alleles (0.00012%); highest among the groups gnomAD compares: Middle Eastern, 0.033%; no homozygotes.

Submission:

Labcorp Genetics (formerly Invitae), Labcorp
Classification: Uncertain significance. Last evaluated: 2023-02-22. Review status: criteria provided, single submitter. Criteria: Invitae Variant Classification Sherloc (09022015). Collection method: clinical testing. Allele origin: germline.
Comment: In summary, the available evidence is currently insufficient to determine the role of this variant in disease. Therefore, it has been classified as a Variant of Uncertain Significance. Advanced modeling of protein sequence and biophysical properties (such as structural, functional, and spatial information, amino acid conservation, physicochemical variation, residue mobility, and thermodynamic stability) performed at Invitae indicates that this missense variant is not expected to disrupt KAT6A protein function. This variant has not been reported in the literature in individuals affected with KAT6A-related conditions. This variant is not present in population databases (gnomAD no frequency). This sequence change replaces lysine, which is basic and polar, with glutamic acid, which is acidic and polar, at codon 1329 of the KAT6A protein (p.Lys1329Glu).